The following is an entry in ClinVar:

NM_001267550.2(TTN):c.107370G>C (p.Met35790Ile)

Genes: TTN (titin; minus strand), TTN-AS1 (TTN antisense RNA 1; plus strand). Cytogenetic location: 2q31.2.
Variant type: single nucleotide variant.
Coding change: c.107370G>C on transcript NM_001267550.2 (MANE Select); coding-DNA position 107370, G replaced by C.
Protein change: p.Met35790Ile; replaces methionine 35790 with isoleucine.
Molecular consequence: missense variant.
Genome position (GRCh38, 1-based): chr2:178,528,281, C>G on the plus strand (G>C on the coding strand, the complement: TTN is on the minus strand). VCF-style: chr2-178528281-C-G. GRCh37 (hg19) VCF-style: chr2-179393008-C-G.
Other names: c.102447G>C, p.Met34149Ile (NM_001256850.1); c.80175G>C, p.Met26725Ile (NM_003319.4); c.99666G>C, p.Met33222Ile (NM_133378.4); c.80550G>C, p.Met26850Ile (NM_133432.3); c.80751G>C, p.Met26917Ile (NM_133437.4); short protein forms M26850I, M35790I, M26725I, M33222I, M26917I, M34149I.
Identifiers: ClinVar variation 2952263 (VCV002952263.3), dbSNP rs2468280598, ClinGen allele CA349401221.
Genomic context (GRCh38, chr2:178,528,281, plus strand): 5'-AAACGATCTAAAGGCCTTAAACATGTAAGGAAGAAGGGTGAGGAGATACTTACGAAGGAC[C>G]ATTAAGGAAGCTGTAGCTGAACACTGGCCACGGAAATTTTTGGCCTTAATTGTGTACTTT-3'
Protein context (NP_001254479.2, residues 35780-35800): RGQCSATASL[Met35790Ile]VLPLVEEPSR

ClinVar aggregate classification (germline): Uncertain significance (1 of 4 stars; one submission).

Conditions:
Dilated cardiomyopathy 1G (CMD1G). Identifiers: Orphanet 154, MedGen C1858763, MONDO:0011400, OMIM 604145.
Autosomal recessive limb-girdle muscular dystrophy type 2J (LGMDR10). Also called: Limb-girdle muscular dystrophy, type 2J; MUSCULAR DYSTROPHY, LIMB-GIRDLE, AUTOSOMAL RECESSIVE 10. Identifiers: Orphanet 140922, MedGen C1837342, MONDO:0012127, OMIM 608807.

Submission:

Labcorp Genetics (formerly Invitae), Labcorp
Classification: Uncertain significance for Dilated cardiomyopathy 1G; Autosomal recessive limb-girdle muscular dystrophy type 2J. Last evaluated: 2023-09-26. Review status: criteria provided, single submitter. Criteria: Invitae Variant Classification Sherloc (09022015). Collection method: clinical testing. Allele origin: germline.
Comment: This sequence change replaces methionine, which is neutral and non-polar, with isoleucine, which is neutral and non-polar, at codon 35790 of the TTN protein (p.Met35790Ile). This variant is not present in population databases (gnomAD no frequency). This variant has not been reported in the literature in individuals affected with TTN-related conditions. Experimental studies and prediction algorithms are not available or were not evaluated, and the functional significance of this variant is currently unknown. In summary, the available evidence is currently insufficient to determine the role of this variant in disease. Therefore, it has been classified as a Variant of Uncertain Significance. This variant is located in the M band of TTN (PMID: 25589632). Variants in this region may be relevant for neuromuscular disorders, but have not been definitively shown to cause cardiomyopathy (PMID: 23975875).

Literature cited by the submitters: PubMed 25589632; PubMed 23975875.